The following is an entry in ClinVar:

NM_198253.3(TERT):c.758A>G (p.Gln253Arg)

Gene: TERT (telomerase reverse transcriptase; minus strand). Cytogenetic location: 5p15.33.
Variant type: single nucleotide variant.
Coding change: c.758A>G on transcript NM_198253.3 (MANE Select); coding-DNA position 758, A replaced by G.
Protein change: p.Gln253Arg; replaces glutamine 253 with arginine.
Molecular consequence: missense variant. On other transcripts: non-coding transcript variant (2).
Genome position (GRCh38, 1-based): chr5:1,294,128, T>C on the plus strand (A>G on the coding strand, the complement: TERT is on the minus strand). VCF-style: chr5-1294128-T-C. GRCh37 (hg19) VCF-style: chr5-1294243-T-C.
Other names: c.758A>G, p.Gln253Arg (NM_001193376.3); short protein forms Q253R.
Identifiers: ClinVar variation 1056211 (VCV001056211.48), dbSNP rs1172617636, ClinGen allele CA359056883.

ClinVar aggregate classification (germline): Uncertain significance. Review status: criteria provided, multiple submitters, no conflicts (2 of 4 stars). 2 submissions from 2 submitters: Uncertain significance (2). Last evaluated 2025-03-04.

Conditions:
Dyskeratosis congenita, autosomal dominant 2. Identifiers: MedGen C3151443, MONDO:0013521, OMIM 613989.
Idiopathic Pulmonary Fibrosis. Also called: Idiopathic fibrosing alveolitis, chronic form; idiopathic fibrosing alveolitis. Identifiers: Orphanet 2032, MedGen C1800706, MeSH D054990, MONDO:0800504.

Allele frequency attached by ClinVar (database versions not stated): gnomAD exomes below 0.00001; gnomAD 0.00001.
gnomAD v4.1: 2 of 1,583,378 alleles (0.00013%); highest among the groups gnomAD compares: South Asian, 0.0011%; no homozygotes.

Submissions (2):

Labcorp Genetics (formerly Invitae), Labcorp
Classification: Uncertain significance for Dyskeratosis congenita, autosomal dominant 2; Idiopathic Pulmonary Fibrosis. Last evaluated: 2025-03-04. Review status: criteria provided, single submitter. Criteria: Invitae Variant Classification Sherloc (09022015). Collection method: clinical testing. Allele origin: germline.
Comment: This sequence change replaces glutamine, which is neutral and polar, with arginine, which is basic and polar, at codon 253 of the TERT protein (p.Gln253Arg). This variant is present in population databases (no rsID available, gnomAD 0.006%). This variant has not been reported in the literature in individuals affected with TERT-related conditions. ClinVar contains an entry for this variant (Variation ID: 1056211). Invitae Evidence Modeling of protein sequence and biophysical properties (such as structural, functional, and spatial information, amino acid conservation, physicochemical variation, residue mobility, and thermodynamic stability) indicates that this missense variant is not expected to disrupt TERT protein function with a negative predictive value of 95%. In summary, the available evidence is currently insufficient to determine the role of this variant in disease. Therefore, it has been classified as a Variant of Uncertain Significance.

Blueprint Genetics
Classification: Uncertain significance. Last evaluated: 2024-04-15. Review status: criteria provided, single submitter. Criteria: ACMG Guidelines, 2015. Collection method: clinical testing. Allele origin: germline.